The following is an entry in ClinVar:

ClinVar aggregate classification (germline): Uncertain significance. Review status: criteria provided, multiple submitters, no conflicts (2 of 4 stars). 2 submissions from 2 submitters: Uncertain significance (2). Last evaluated 2024-11-21.

Conditions:
Severe combined immunodeficiency due to DNA-PKcs deficiency. Also called: Immunodeficiency 26 with or without neurologic abnormalities; IMMUNODEFICIENCY 26 WITH NEUROLOGIC ABNORMALITIES. Identifiers: Orphanet 317425, MedGen C4014833, MONDO:0014423, OMIM 615966.

Allele frequency attached by ClinVar (database versions not stated): gnomAD 0.00004; ExAC 0.00007; TOPMed 0.00008; gnomAD exomes 0.00010.
gnomAD v4.1: 109 of 1,581,700 alleles (0.0069%); highest among the groups gnomAD compares: Admixed American, 0.013%; no homozygotes.

Submissions (2):

Blueprint Genetics
Classification: Uncertain significance. Last evaluated: 2024-11-21. Review status: criteria provided, single submitter. Criteria: ACMG Guidelines, 2015. Collection method: clinical testing. Allele origin: germline.

Labcorp Genetics (formerly Invitae), Labcorp
Classification: Uncertain significance for Severe combined immunodeficiency due to DNA-PKcs deficiency. Last evaluated: 2022-10-17. Review status: criteria provided, single submitter. Criteria: Invitae Variant Classification Sherloc (09022015). Collection method: clinical testing. Allele origin: germline.
Comment: This sequence change replaces arginine, which is basic and polar, with histidine, which is basic and polar, at codon 3763 of the PRKDC protein (p.Arg3763His). This variant is present in population databases (rs771587412, gnomAD 0.01%). This variant has not been reported in the literature in individuals affected with PRKDC-related conditions. ClinVar contains an entry for this variant (Variation ID: 577836). Advanced modeling of protein sequence and biophysical properties (such as structural, functional, and spatial information, amino acid conservation, physicochemical variation, residue mobility, and thermodynamic stability) performed at Invitae indicates that this missense variant is expected to disrupt PRKDC protein function. In summary, the available evidence is currently insufficient to determine the role of this variant in disease. Therefore, it has been classified as a Variant of Uncertain Significance.

NM_006904.7(PRKDC):c.11288G>A (p.Arg3763His)

Gene: PRKDC (protein kinase, DNA-activated, catalytic subunit; minus strand). Cytogenetic location: 8q11.21.
Variant type: single nucleotide variant.
Coding change: c.11288G>A on transcript NM_006904.7 (MANE Select); coding-DNA position 11288, G replaced by A.
Protein change: p.Arg3763His; replaces arginine 3763 with histidine.
Molecular consequence: missense variant.
Genome position (GRCh38, 1-based): chr8:47,782,486, C>T on the plus strand (G>A on the coding strand, the complement: PRKDC is on the minus strand). VCF-style: chr8-47782486-C-T. GRCh37 (hg19) VCF-style: chr8-48695047-C-T.
Other names: c.11288G>A, p.Arg3763His (NM_001081640.2); short protein forms R3763H.
Identifiers: ClinVar variation 577836 (VCV000577836.7), dbSNP rs771587412, ClinGen allele CA4739126.